The following is an entry in ClinVar:

ClinVar aggregate classification (germline): Uncertain significance (1 of 4 stars; one submission).

Conditions:
Multiple gastrointestinal atresias. Also called: FAMILIAL INTESTINAL POLYATRESIA SYNDROME; Multiple intestinal atresia. Identifiers: Orphanet 2300, MedGen C0220744, MONDO:0009465.

Allele frequency attached by ClinVar (database versions not stated): gnomAD exomes 0.00001.

Submission:

Labcorp Genetics (formerly Invitae), Labcorp
Classification: Uncertain significance for Multiple gastrointestinal atresias. Last evaluated: 2021-10-11. Review status: criteria provided, single submitter. Criteria: Invitae Variant Classification Sherloc (09022015). Collection method: clinical testing. Allele origin: germline.
Comment: This sequence change replaces alanine with valine at codon 323 of the TTC7A protein (p.Ala323Val). The alanine residue is weakly conserved and there is a small physicochemical difference between alanine and valine. This variant is not present in population databases (ExAC no frequency). This variant has not been reported in the literature in individuals affected with TTC7A-related conditions. Algorithms developed to predict the effect of missense changes on protein structure and function (SIFT, PolyPhen-2, Align-GVGD) all suggest that this variant is likely to be tolerated. Algorithms developed to predict the effect of sequence changes on RNA splicing suggest that this variant may create or strengthen a splice site. In summary, the available evidence is currently insufficient to determine the role of this variant in disease. Therefore, it has been classified as a Variant of Uncertain Significance.

NM_020458.4(TTC7A):c.968C>T (p.Ala323Val)

Gene: TTC7A (tetratricopeptide repeat domain 7A; plus strand). Cytogenetic location: 2p21.
Variant type: single nucleotide variant.
Coding change: c.968C>T on transcript NM_020458.4 (MANE Select); coding-DNA position 968, C replaced by T.
Protein change: p.Ala323Val; replaces alanine 323 with valine.
Molecular consequence: missense variant. On other transcripts: intron variant (1).
Genome position (GRCh38, 1-based): chr2:46,994,481, C>T. VCF-style: chr2-46994481-C-T. GRCh37 (hg19) VCF-style: chr2-47221620-C-T.
Other names: c.968C>T, p.Ala323Val (NM_001288951.2); c.866C>T, p.Ala289Val (NM_001288953.2); c.-61-655C>T (NM_001288955.2); short protein forms A289V, A323V.
Identifiers: ClinVar variation 1420324 (VCV001420324.6), dbSNP rs1675955884, ClinGen allele CA346713562.